The following is an entry in ClinVar:

ClinVar aggregate classification (germline): Uncertain significance (1 of 4 stars; one submission).

gnomAD v4.1: 1 of 1,424,198 alleles (0.00007%); highest among the groups gnomAD compares: Non-Finnish European, 0.000091%; no homozygotes.

Submission:

Labcorp Genetics (formerly Invitae), Labcorp
Classification: Uncertain significance. Last evaluated: 2024-06-17. Review status: criteria provided, single submitter. Criteria: Invitae Variant Classification Sherloc (09022015). Collection method: clinical testing. Allele origin: germline.
Comment: This sequence change replaces aspartic acid, which is acidic and polar, with tyrosine, which is neutral and polar, at codon 177 of the NEFH protein (p.Asp177Tyr). This variant is not present in population databases (gnomAD no frequency). This variant has not been reported in the literature in individuals affected with NEFH-related conditions. Advanced modeling of protein sequence and biophysical properties (such as structural, functional, and spatial information, amino acid conservation, physicochemical variation, residue mobility, and thermodynamic stability) performed at Invitae indicates that this missense variant is not expected to disrupt NEFH protein function with a negative predictive value of 95%. In summary, the available evidence is currently insufficient to determine the role of this variant in disease. Therefore, it has been classified as a Variant of Uncertain Significance.

NM_021076.4(NEFH):c.529G>T (p.Asp177Tyr)

Gene: NEFH (neurofilament heavy chain; plus strand). Cytogenetic location: 22q12.2.
Variant type: single nucleotide variant.
Coding change: c.529G>T on transcript NM_021076.4 (MANE Select); coding-DNA position 529, G replaced by T.
Protein change: p.Asp177Tyr; replaces aspartic acid 177 with tyrosine.
Molecular consequence: missense variant.
Genome position (GRCh38, 1-based): chr22:29,480,791, G>T. VCF-style: chr22-29480791-G-T. GRCh37 (hg19) VCF-style: chr22-29876780-G-T.
Other names: short protein forms D177Y.
Identifiers: ClinVar variation 3637750 (VCV003637750.2).